The following is an entry in ClinVar:

ClinVar aggregate classification (germline): Pathogenic (1 of 4 stars; one submission).

Conditions:
Obesity due to SIM1 deficiency. Identifiers: Orphanet 369873, MedGen C5191050, MONDO:0018244.

Submission:

Victorian Clinical Genetics Services, Murdoch Childrens Research Institute
Classification: Pathogenic for Obesity due to SIM1 deficiency. Last evaluated: 2025-07-18. Review status: criteria provided, single submitter. Criteria: ACMG Guidelines, 2015. Collection method: clinical testing. Allele origin: germline. Affected: no.
Comment: This variant is classified as Pathogenic. Evidence in support of pathogenic classification: Variant is predicted to cause nonsense-mediated decay (NMD) and loss of protein (premature termination codon is located at least 54 nucleotides upstream of the final exon-exon junction); Variant is absent from gnomAD (v2, v3 and v4); Other NMD-predicted variant(s) comparable to the one identified in this case have very strong previous evidence for pathogenicity (ClinVar). There are also additional individuals with obesity reported in the literature with NMD-predicted variants (PMID: 29216354, 37329217). Additional information: This variant is heterozygous; This gene is associated with autosomal dominant disease; This variant has no previous evidence of pathogenicity; No published evidence of segregation with disease has been identified for this variant; No published functional evidence has been identified for this variant; Loss of function is a known mechanism of disease in this gene and is associated with obesity due to SIM1 deficiency (MONDO#0018244); The condition associated with this gene has incomplete penetrance (PMID: 23778139) - Inheritance information for this variant is not currently available in this individual.

Literature cited by the submitters: PubMed 23778139; PubMed 37329217; PubMed 29216354.

NM_005068.3(SIM1):c.309del (p.Met102_Tyr103insTer)

Gene: SIM1 (SIM bHLH transcription factor 1; minus strand). Cytogenetic location: 6q16.3.
Variant type: Deletion.
Coding change: c.309del on transcript NM_005068.3 (MANE Select); coding-DNA position 309, one base deleted (C; older notation c.309delC).
Protein change: p.Met102_Tyr103insTer.
Molecular consequence: nonsense.
Genome position (GRCh38, 1-based): chr6:100,450,306, G deleted on the plus strand (C on the coding strand, the reverse complement: SIM1 is on the minus strand). VCF-style (leftmost placement, unchanged base first): chr6-100450305-TG-T. GRCh37 (hg19) VCF-style: chr6-100898181-TG-T.
Other names: c.309del, p.Met102_Tyr103insTer (NM_001374769.1).
Identifiers: ClinVar variation 4532010 (VCV004532010.1).